The following is an entry in ClinVar:

ClinVar aggregate classification (germline): Uncertain significance. Review status: criteria provided, multiple submitters, no conflicts (2 of 4 stars). 3 submissions from 3 submitters: Uncertain significance (3). Last evaluated 2025-07-15.

Conditions:
Hereditary nonpolyposis colorectal neoplasms. Identifiers: MedGen C0009405, MeSH D003123.
Hereditary cancer-predisposing syndrome. Also called: Neoplastic Syndromes, Hereditary; Tumor predisposition; Hereditary Cancer Syndrome; Hereditary neoplastic syndrome. Identifiers: Orphanet 140162, MedGen C0027672, MeSH D009386, MONDO:0015356.

Submissions (3):

Labcorp Genetics (formerly Invitae), Labcorp
Classification: Uncertain significance for Hereditary nonpolyposis colorectal neoplasms. Last evaluated: 2025-07-15. Review status: criteria provided, single submitter. Criteria: Invitae Variant Classification Sherloc (09022015). Collection method: clinical testing. Allele origin: germline.
Comment: This sequence change replaces isoleucine, which is neutral and non-polar, with arginine, which is basic and polar, at codon 724 of the PMS2 protein (p.Ile724Arg). The frequency data for this variant in the population databases (gnomAD) is considered unreliable due to the presence of homologous sequence, such as pseudogenes or paralogs, in the genome. This variant has not been reported in the literature in individuals affected with PMS2-related conditions. ClinVar contains an entry for this variant (Variation ID: 1787118). Invitae Evidence Modeling incorporating data from in vitro experimental studies (internal data) indicates that this missense variant is expected to disrupt PMS2 function with a positive predictive value of 95%. In summary, the available evidence is currently insufficient to determine the role of this variant in disease. Therefore, it has been classified as a Variant of Uncertain Significance.

Color Diagnostics, LLC DBA Color Health
Classification: Uncertain significance for Hereditary cancer-predisposing syndrome. Last evaluated: 2025-06-30. Review status: criteria provided, single submitter. Criteria: ACMG Guidelines, 2015. Collection method: clinical testing. Allele origin: germline.
Comment: This missense variant replaces isoleucine with arginine at codon 724 of the PMS2 protein. Computational prediction suggests that this variant may have deleterious impact on protein structure and function. To our knowledge, functional studies have not been reported for this variant. This variant has not been reported in individuals affected with PMS2-related disorders in the literature. This variant has not been identified in the general population by the Genome Aggregation Database (gnomAD). The available evidence is insufficient to determine the role of this variant in disease conclusively. Therefore, this variant is classified as a Variant of Uncertain Significance.

Ambry Genetics
Classification: Uncertain significance for Hereditary cancer-predisposing syndrome. Last evaluated: 2022-07-27. Review status: criteria provided, single submitter. Criteria: Ambry Variant Classification Scheme 2023. Collection method: clinical testing. Allele origin: germline.
Comment: The p.I724R variant (also known as c.2171T>G), located in coding exon 12 of the PMS2 gene, results from a T to G substitution at nucleotide position 2171. The isoleucine at codon 724 is replaced by arginine, an amino acid with similar properties. This amino acid position is conserved. In addition, this alteration is predicted to be deleterious by in silico analysis. Since supporting evidence is limited at this time, the clinical significance of this alteration remains unclear.

NM_000535.7(PMS2):c.2171T>G (p.Ile724Arg)

Gene: PMS2 (PMS1 homolog 2, mismatch repair system component; minus strand). Cytogenetic location: 7p22.1.
Variant type: single nucleotide variant.
Coding change: c.2171T>G on transcript NM_000535.7 (MANE Select); coding-DNA position 2171, T replaced by G.
Protein change: p.Ile724Arg; replaces isoleucine 724 with arginine.
Molecular consequence: missense variant. On other transcripts: non-coding transcript variant (1).
Genome position (GRCh38, 1-based): chr7:5,982,827, A>C on the plus strand (T>G on the coding strand, the complement: PMS2 is on the minus strand). VCF-style: chr7-5982827-A-C. GRCh37 (hg19) VCF-style: chr7-6022458-A-C.
Other names: c.968T>G, p.Ile323Arg (NM_001406912.1); c.1766T>G, p.Ile589Arg (NM_001018040.1, NM_001322003.2, NM_001322004.2 and 15 more transcripts); c.2015T>G, p.Ile672Arg (NM_001322006.2, NM_001406870.1); c.1853T>G, p.Ile618Arg (NM_001322007.2, NM_001322008.2, NM_001406876.1 and 1 more transcripts); c.1610T>G, p.Ile537Arg (NM_001322010.2, NM_001406906.1, NM_001406907.1); c.1238T>G, p.Ile413Arg (NM_001322011.2, NM_001322012.2); c.1598T>G, p.Ile533Arg (NM_001322013.2, NM_001406909.1); c.2171T>G, p.Ile724Arg (NM_001322014.2, NM_001406871.1); and 13 more; short protein forms I533R, I537R, I566R, I612R, I658R, I688R, I732R, I323R.
Identifiers: ClinVar variation 1787118 (VCV001787118.3), dbSNP rs1060503123, ClinGen allele CA366737841.